The following is an entry in ClinVar:

ClinVar aggregate classification (germline): Uncertain significance (1 of 4 stars; one submission).

Submission:

Ambry Genetics
Classification: Uncertain significance. Last evaluated: 2023-09-13. Review status: criteria provided, single submitter. Criteria: Ambry Variant Classification Scheme 2023. Collection method: clinical testing. Allele origin: germline.
Comment: The p.M1945T variant (also known as c.5834T>C), located in coding exon 18 of the POLQ gene, results from a T to C substitution at nucleotide position 5834. The methionine at codon 1945 is replaced by threonine, an amino acid with similar properties. This amino acid position is conserved. In addition, this alteration is predicted to be tolerated by in silico analysis. Since supporting evidence is limited at this time, the clinical significance of this alteration remains unclear.

NM_199420.4(POLQ):c.5834T>C (p.Met1945Thr)

Gene: POLQ (DNA polymerase theta; minus strand). Cytogenetic location: 3q13.33.
Variant type: single nucleotide variant.
Coding change: c.5834T>C on transcript NM_199420.4 (MANE Select); coding-DNA position 5834, T replaced by C.
Protein change: p.Met1945Thr; replaces methionine 1945 with threonine.
Molecular consequence: missense variant.
Genome position (GRCh38, 1-based): chr3:121,483,522, A>G on the plus strand (T>C on the coding strand, the complement: POLQ is on the minus strand). VCF-style: chr3-121483522-A-G. GRCh37 (hg19) VCF-style: chr3-121202369-A-G.
Other names: short protein forms M1945T.
Identifiers: ClinVar variation 2624446 (VCV002624446.2), dbSNP rs2546781781, ClinGen allele CA354088693.